The following is an entry in ClinVar:

NM_000530.8(MPZ):c.154T>G (p.Phe52Val)

Gene: MPZ (myelin protein zero; minus strand). Cytogenetic location: 1q23.3.
Variant type: single nucleotide variant.
Coding change: c.154T>G on transcript NM_000530.8 (MANE Select); coding-DNA position 154, T replaced by G.
Protein change: p.Phe52Val; replaces phenylalanine 52 with valine.
Molecular consequence: missense variant.
Genome position (GRCh38, 1-based): chr1:161,307,338, A>C on the plus strand (T>G on the coding strand, the complement: MPZ is on the minus strand). VCF-style: chr1-161307338-A-C. GRCh37 (hg19) VCF-style: chr1-161277128-A-C.
Other names: c.154T>G (LRG_256t1); c.154T>G, p.Phe52Val (NM_001315491.2); short protein forms F52V.
Identifiers: ClinVar variation 568773 (VCV000568773.8), dbSNP rs1558154644, ClinGen allele CA343351138.

ClinVar aggregate classification (germline): Pathogenic (1 of 4 stars; one submission).

Conditions:
Charcot-Marie-Tooth disease, type I (CMT1). Also called: Charcot-Marie-Tooth, Type 1; Charcot-Marie-Tooth disease type 1. Identifiers: Orphanet 65753, MedGen C0751036, MONDO:0019011.

Submission:

Labcorp Genetics (formerly Invitae), Labcorp
Classification: Pathogenic for Charcot-Marie-Tooth disease, type I. Last evaluated: 2026-01-15. Review status: criteria provided, single submitter. Criteria: Invitae Variant Classification Sherloc (09022015). Collection method: clinical testing. Allele origin: germline.
Comment: This sequence change replaces phenylalanine, which is neutral and non-polar, with valine, which is neutral and non-polar, at codon 52 of the MPZ protein (p.Phe52Val). This variant is not present in population databases (gnomAD no frequency). This missense change has been observed in individuals with Charcot-Marie-Tooth disease (PMID: 27025386, 33825325; internal data). ClinVar contains an entry for this variant (Variation ID: 568773). Invitae Evidence Modeling of protein sequence and biophysical properties (such as structural, functional, and spatial information, amino acid conservation, physicochemical variation, residue mobility, and thermodynamic stability) indicates that this missense variant is expected to disrupt MPZ protein function with a positive predictive value of 80%. This variant disrupts the p.Phe52 amino acid residue in MPZ. Other variant(s) that disrupt this residue have been determined to be pathogenic (PMID: 26310628; internal data). This suggests that this residue is clinically significant, and that variants that disrupt this residue are likely to be disease-causing. For these reasons, this variant has been classified as Pathogenic.

Literature cited by the submitters: PubMed 27025386; PubMed 33825325; PubMed 26310628.